The following is an entry in ClinVar:

NM_000038.6(APC):c.1125C>T (p.Gly375=)

Gene: APC (APC regulator of Wnt signaling pathway; plus strand). Cytogenetic location: 5q22.2.
Variant type: single nucleotide variant.
Coding change: c.1125C>T on transcript NM_000038.6 (MANE Select); coding-DNA position 1125, C replaced by T.
Protein change: p.Gly375=; no amino-acid change (glycine 375 retained).
Molecular consequence: synonymous variant. On other transcripts: non-coding transcript variant (2), intron variant (15).
Genome position (GRCh38, 1-based): chr5:112,819,157, C>T. VCF-style: chr5-112819157-C-T. GRCh37 (hg19) VCF-style: chr5-112154854-C-T.
Other names: c.1125C>T, p.Gly375= (NM_001127510.3, NM_001354895.2, NM_001354896.2 and 4 more transcripts); c.1071C>T, p.Gly357= (NM_001127511.3); c.1155C>T, p.Gly385= (NM_001354897.2, NM_001407446.1); c.1050C>T, p.Gly350= (NM_001354898.2, NM_001407451.1); c.1041C>T, p.Gly347= (NM_001354899.2, NM_001407452.1); c.948C>T, p.Gly316= (NM_001354900.2, NM_001354901.2, NM_001407453.1); c.276C>T, p.Gly92= (NM_001354906.2, NM_001407470.1); c.85-112C>T (NM_001407472.1, NM_001407471.1); and 5 more.
Identifiers: ClinVar variation 1798948 (VCV001798948.6), dbSNP rs2149781450, ClinGen allele CA445960293.

ClinVar aggregate classification (germline): Benign/Likely benign. Review status: criteria provided, multiple submitters, no conflicts (2 of 4 stars). 4 submissions from 4 submitters: Benign (1); Likely benign (3). Last evaluated 2025-09-08.

Conditions:
Classic or attenuated familial adenomatous polyposis. Identifiers: MedGen CN372698, MONDO:0021057.
Hereditary cancer-predisposing syndrome. Also called: Neoplastic Syndromes, Hereditary; Tumor predisposition; Hereditary Cancer Syndrome; Hereditary neoplastic syndrome. Identifiers: Orphanet 140162, MedGen C0027672, MeSH D009386, MONDO:0015356.
Familial adenomatous polyposis 1 (FAP1). Also called: POLYPOSIS, ADENOMATOUS INTESTINAL; FAMILIAL ADENOMATOUS POLYPOSIS 1, ATTENUATED. Identifiers: MedGen C2713442, MONDO:0021056, OMIM 175100. Disease mechanism: loss of function.

Allele frequency attached by ClinVar (database versions not stated): gnomAD exomes below 0.00001.
gnomAD v4.1: 3 of 1,614,016 alleles (0.00019%); highest among the groups gnomAD compares: South Asian, 0.0033%; no homozygotes.

Submissions (4):

Labcorp Genetics (formerly Invitae), Labcorp
Classification: Likely benign for Familial adenomatous polyposis 1. Last evaluated: 2025-09-08. Review status: criteria provided, single submitter. Criteria: Invitae Variant Classification Sherloc (09022015). Collection method: clinical testing. Allele origin: germline.

Myriad Genetics, Inc.
Classification: Benign for Familial adenomatous polyposis 1. Last evaluated: 2024-02-29. Review status: criteria provided, single submitter. Criteria: Myriad Autosomal Dominant, Autosomal Recessive and X-Linked Classification Criteria (2023). Collection method: clinical testing. Allele origin: unknown.
Comment: This variant is considered benign. This variant is a silent/synonymous amino acid change and it is not expected to impact splicing.

All of Us Research Program, National Institutes of Health
Classification: Likely benign for Classic or attenuated familial adenomatous polyposis. Last evaluated: 2023-10-06. Review status: criteria provided, single submitter. Criteria: ACMG Guidelines, 2015. Collection method: clinical testing. Allele origin: germline. Inheritance: Autosomal dominant inheritance. Observed: 1 variant allele, 1 heterozygote.
Comment: This study involves interpretation of variants in research participants for the purpose of population health screening. Participant phenotype was not available at the time of variant classification. Additional details can be found in publication PMID: 35346344, PMCID: PMC8962531

Ambry Genetics
Classification: Likely benign for Hereditary cancer-predisposing syndrome. Last evaluated: 2022-04-09. Review status: criteria provided, single submitter. Criteria: Ambry Variant Classification Scheme 2023. Collection method: clinical testing. Allele origin: germline.